The following is an entry in ClinVar:

NM_001009944.3(PKD1):c.9910G>A (p.Asp3304Asn)

Gene: PKD1 (polycystin 1, transient receptor potential channel interacting; minus strand). Cytogenetic location: 16p13.3.
Variant type: single nucleotide variant.
Coding change: c.9910G>A on transcript NM_001009944.3 (MANE Select); coding-DNA position 9910, G replaced by A.
Protein change: p.Asp3304Asn; replaces aspartic acid 3304 with asparagine.
Molecular consequence: missense variant.
Genome position (GRCh38, 1-based): chr16:2,099,874, C>T on the plus strand (G>A on the coding strand, the complement: PKD1 is on the minus strand). VCF-style: chr16-2099874-C-T. GRCh37 (hg19) VCF-style: chr16-2149875-C-T.
Other names: c.9910G>A, p.Asp3304Asn (NM_000296.4); c.9910G>A (NM_000296.3); short protein forms D3304N.
Identifiers: ClinVar variation 1708944 (VCV001708944.10), dbSNP rs773798664, ClinGen allele CA7829891.

ClinVar aggregate classification (germline): Uncertain significance. Review status: criteria provided, multiple submitters, no conflicts (2 of 4 stars). 6 submissions from 6 submitters: Uncertain significance (6). Last evaluated 2026-04-13.

Conditions:
Polycystic kidney disease, adult type (PKD1). Also called: Polycystic Kidney Disease 1, Autosomal Dominant; Polycystic kidney disease 1; Polycystic kidney disease 1, severe; Polycystic Kidney, Autosomal Dominant; POLYCYSTIC KIDNEY DISEASE, ADULT, TYPE I; POLYCYSTIC KIDNEY DISEASE 1 WITH OR WITHOUT POLYCYSTIC LIVER DISEASE. Identifiers: MedGen C3149841, MONDO:0008263, OMIM 173900.
Inborn genetic diseases. Identifiers: MedGen C0950123, MeSH D030342.

Allele frequency attached by ClinVar (database versions not stated): gnomAD 0.00001; TOPMed 0.00001; gnomAD exomes 0.00002; ExAC 0.00005.
gnomAD v4.1: 33 of 1,566,640 alleles (0.0021%); highest among the groups gnomAD compares: Non-Finnish European, 0.0027%; no homozygotes.

Submissions (6):

Women's Health and Genetics/Laboratory Corporation of America, LabCorp
Classification: Uncertain significance. Last evaluated: 2026-04-13. Review status: criteria provided, single submitter. Criteria: LabCorp Variant Classification Summary - May 2015. Collection method: clinical testing. Allele origin: germline.
Comment: Variant summary: PKD1 c.9910G>A (p.Asp3304Asn) results in a conservative amino acid change in the encoded protein sequence. Algorithms developed to predict the effect of missense changes on protein structure and function are either unavailable or do not agree on the potential impact of this missense change. The variant allele was found at a frequency of 1.8e-05 in 170412 control chromosomes (gnomAD). The available data on variant occurrences in the general population are insufficient to allow any conclusion about variant significance. This report does not provide unequivocal conclusions about association of the variant with PKD1-related conditions. To our knowledge, no experimental evidence demonstrating an impact on protein function has been reported. The following publication has been ascertained in the context of this evaluation (PMID: 36573973). ClinVar contains an entry for this variant (Variation ID: 1708944). Based on the evidence outlined above, the variant was classified as uncertain significance.

GeneDx
Classification: Uncertain significance. Last evaluated: 2025-08-13. Review status: criteria provided, single submitter. Criteria: GeneDx Variant Classification Process June 2021. Collection method: clinical testing. Allele origin: germline. Affected: yes.
Comment: In silico analysis supports that this missense variant has a deleterious effect on protein structure/function; This variant is associated with the following publications: (PMID: 36573973)

Fulgent Genetics
Classification: Uncertain significance for Polycystic kidney disease, adult type. Last evaluated: 2024-05-20. Review status: criteria provided, single submitter. Criteria: ACMG Guidelines, 2015. Collection method: clinical testing. Allele origin: germline.

Athena Diagnostics
Classification: Uncertain significance. Last evaluated: 2023-03-03. Review status: criteria provided, single submitter. Criteria: Athena Diagnostics Criteria. Collection method: clinical testing. Allele origin: unknown.
Comment: Available data are insufficient to determine the clinical significance of the variant at this time. The frequency of this variant in the general population is uninformative in assessment of its pathogenicity. Computational tools predict that this variant is not damaging.

Department of Pathology and Laboratory Medicine, Sinai Health System
Classification: Uncertain significance for Polycystic kidney disease, adult type. Last evaluated: 2021-11-18. Review status: criteria provided, single submitter. Criteria: ACMG Guidelines, 2015. Collection method: clinical testing. Allele origin: germline. Affected: yes.

Ambry Genetics
Classification: Uncertain significance for Inborn genetic diseases. Last evaluated: 2021-09-27. Review status: criteria provided, single submitter. Criteria: Ambry Variant Classification Scheme 2023. Collection method: clinical testing. Allele origin: germline.

Literature cited by the submitters: PubMed 36573973 (cited by Women's Health and Genetics/Laboratory Corporation of America, LabCorp).